The following is an entry in ClinVar:

ClinVar aggregate classification (germline): Uncertain significance. Review status: criteria provided, multiple submitters, no conflicts (2 of 4 stars). 2 submissions from 2 submitters: Uncertain significance (2). Last evaluated 2025-07-27.

Conditions:
RASopathy. Also called: rasopathies; Noonan spectrum disorder. Identifiers: Orphanet 536391, MedGen C5555857, MONDO:0021060.
Diffuse midline glioma, H3 K27-altered. Identifiers: MedGen C5669877, MONDO:1060171.

Allele frequency attached by ClinVar (database versions not stated): ExAC 0.00002.
gnomAD v4.1: 1 of 1,611,878 alleles (0.000062%); highest among the groups gnomAD compares: Non-Finnish European, 0.000085%; no homozygotes.

Submissions (2):

Labcorp Genetics (formerly Invitae), Labcorp
Classification: Uncertain significance for RASopathy. Last evaluated: 2025-07-27. Review status: criteria provided, single submitter. Criteria: Invitae Variant Classification Sherloc (09022015). Collection method: clinical testing. Allele origin: germline.
Comment: This sequence change replaces glycine, which is neutral and non-polar, with serine, which is neutral and polar, at codon 69 of the BRAF protein (p.Gly69Ser). The frequency data for this variant in the population databases is considered unreliable, as metrics indicate poor data quality at this position in the gnomAD database. This variant has not been reported in the literature in individuals affected with BRAF-related conditions. ClinVar contains an entry for this variant (Variation ID: 2805839). Invitae Evidence Modeling of protein sequence and biophysical properties (such as structural, functional, and spatial information, amino acid conservation, physicochemical variation, residue mobility, and thermodynamic stability) has been performed for this missense variant. However, the output from this modeling did not meet the statistical confidence thresholds required to predict the impact of this variant on BRAF protein function. In summary, the available evidence is currently insufficient to determine the role of this variant in disease. Therefore, it has been classified as a Variant of Uncertain Significance.

Laboratory of Medical Genetics Unit, Bambino Gesù Children's Hospital
Classification: Uncertain significance for Diffuse midline glioma, H3 K27-altered. Review status: criteria provided, single submitter. Criteria: ACMG Guidelines, 2015. Collection method: research. Allele origin: germline. Affected: yes. Observed: 1 heterozygote.

NM_004333.6(BRAF):c.205G>A (p.Gly69Ser)

Gene: BRAF (B-Raf proto-oncogene, serine/threonine kinase; minus strand). Cytogenetic location: 7q34.
Variant type: single nucleotide variant.
Coding change: c.205G>A on transcript NM_004333.6 (MANE Select); coding-DNA position 205, G replaced by A.
Protein change: p.Gly69Ser; replaces glycine 69 with serine.
Molecular consequence: missense variant. On other transcripts: intron variant (1).
Genome position (GRCh38, 1-based): chr7:140,850,146, C>T on the plus strand (G>A on the coding strand, the complement: BRAF is on the minus strand). VCF-style: chr7-140850146-C-T. GRCh37 (hg19) VCF-style: chr7-140549946-C-T.
Other names: c.205G>A, p.Gly69Ser (NM_001354609.2, NM_001374244.1, NM_001374258.1 and 6 more transcripts); c.49G>A, p.Gly17Ser (NM_001378472.1, NM_001378473.1); c.139-15274G>A (NM_001378470.1); short protein forms G69S, G17S.
Identifiers: ClinVar variation 2805839 (VCV002805839.4), dbSNP rs757446039, ClinGen allele CA4517022.